The following is an entry in ClinVar:

NM_032620.4(GTPBP3):c.83C>T (p.Pro28Leu)

Gene: GTPBP3 (GTP binding protein 3, mitochondrial; plus strand). Cytogenetic location: 19p13.11.
Variant type: single nucleotide variant.
Coding change: c.83C>T on transcript NM_032620.4 (MANE Select); coding-DNA position 83, C replaced by T.
Protein change: p.Pro28Leu; replaces proline 28 with leucine.
Molecular consequence: missense variant.
Genome position (GRCh38, 1-based): chr19:17,338,037, C>T. VCF-style: chr19-17338037-C-T. GRCh37 (hg19) VCF-style: chr19-17448846-C-T.
Other names: c.83C>T, p.Pro28Leu (NM_001128855.3, NM_133644.4); c.149C>T, p.Pro50Leu (NM_001195422.1); c.83C>T (NM_133644.3); short protein forms P50L, P28L.
Identifiers: ClinVar variation 1503958 (VCV001503958.7), dbSNP rs754842383, ClinGen allele CA9293226.
Genomic context (GRCh38, chr19:17,338,037, plus strand): 5'-GTGCGCTGATTCGCCTCCCCTCCGGTTCCAGATTGTGCACGCGCCGGAGCAGCGGCGCAC[C>T]AGCCCCCGGCTCCGGCGCCACCATCTTCGCGCTAAGCTCTGGCCAAGGCCGCTGCGGCAT-3'
Protein context (NP_116009.2, residues 18-38): RLCTRRSSGA[Pro28Leu]APGSGATIFA

ClinVar aggregate classification (germline): Uncertain significance. Review status: criteria provided, multiple submitters, no conflicts (2 of 4 stars). 2 submissions from 2 submitters: Uncertain significance (2). Last evaluated 2024-06-07.

Conditions:
Inborn genetic diseases. Identifiers: MedGen C0950123, MeSH D030342.

Allele frequency attached by ClinVar (database versions not stated): ExAC 0.00002; gnomAD 0.00003; gnomAD exomes 0.00003; TOPMed 0.00003.
gnomAD v4.1: 123 of 1,597,740 alleles (0.0077%); highest among the groups gnomAD compares: Non-Finnish European, 0.0096%; no homozygotes.

Submissions (2):

Ambry Genetics
Classification: Uncertain significance for Inborn genetic diseases. Last evaluated: 2024-06-07. Review status: criteria provided, single submitter. Criteria: Ambry Variant Classification Scheme 2023. Collection method: clinical testing. Allele origin: germline.

Labcorp Genetics (formerly Invitae), Labcorp
Classification: Uncertain significance. Last evaluated: 2022-07-13. Review status: criteria provided, single submitter. Criteria: Invitae Variant Classification Sherloc (09022015). Collection method: clinical testing. Allele origin: germline.
Comment: In summary, the available evidence is currently insufficient to determine the role of this variant in disease. Therefore, it has been classified as a Variant of Uncertain Significance. Algorithms developed to predict the effect of missense changes on protein structure and function output the following: SIFT: "Tolerated"; PolyPhen-2: "Benign"; Align-GVGD: "Class C0". The leucine amino acid residue is found in multiple mammalian species, which suggests that this missense change does not adversely affect protein function. ClinVar contains an entry for this variant (Variation ID: 1503958). This variant has not been reported in the literature in individuals affected with GTPBP3-related conditions. This variant is present in population databases (rs754842383, gnomAD 0.007%). This sequence change replaces proline, which is neutral and non-polar, with leucine, which is neutral and non-polar, at codon 28 of the GTPBP3 protein (p.Pro28Leu).